The following is an entry in ClinVar:

NM_001282534.2(KCNK9):c.439T>C (p.Cys147Arg)

Gene: KCNK9 (potassium two pore domain channel subfamily K member 9; minus strand). Cytogenetic location: 8q24.3.
Variant type: single nucleotide variant.
Coding change: c.439T>C on transcript NM_001282534.2 (MANE Select); coding-DNA position 439, T replaced by C.
Protein change: p.Cys147Arg; replaces cysteine 147 with arginine.
Molecular consequence: missense variant. On other transcripts: non-coding transcript variant (1).
Genome position (GRCh38, 1-based): chr8:139,618,944, A>G on the plus strand (T>C on the coding strand, the complement: KCNK9 is on the minus strand). VCF-style: chr8-139618944-A-G. GRCh37 (hg19) VCF-style: chr8-140631187-A-G.
Other names: c.439T>C, p.Cys147Arg (NM_016601.2); short protein forms C147R.
Identifiers: ClinVar variation 2661986 (VCV002661986.1), dbSNP rs2488486680, ClinGen allele CA372734635.
Genomic context (GRCh38, chr8:139,618,944, plus strand): 5'-AGGAGAAGAAGCCCACAGTCACCATGTTCTCCATAGACACGTCAGTGTTGCGCATGCCAC[A>G]GCACTTCTTAATGCGCTTCAGCAGGTAGCGCACGAAGGTGTTCATGCGCTCGCCCAGGCT-3'
Protein context (NP_001269463.1, residues 137-157): RYLLKRIKKC[Cys147Arg]GMRNTDVSME

ClinVar aggregate classification (germline): Uncertain significance (1 of 4 stars; one submission).

Submission:

GeneDx
Classification: Uncertain significance. Last evaluated: 2023-05-01. Review status: criteria provided, single submitter. Criteria: GeneDx Variant Classification Process June 2021. Collection method: clinical testing. Allele origin: germline. Affected: yes.
Comment: Not observed at significant frequency in large population cohorts (gnomAD); In silico analysis supports that this missense variant has a deleterious effect on protein structure/function; Has not been previously published as pathogenic or benign to our knowledge